The following is an entry in ClinVar:

ClinVar aggregate classification (germline): Uncertain significance (1 of 4 stars; one submission).

Allele frequency attached by ClinVar (database versions not stated): ExAC 0.00001; gnomAD exomes 0.00001.
gnomAD v4.1: 8 of 1,614,158 alleles (0.0005%); highest among the groups gnomAD compares: Non-Finnish European, 0.00068%; no homozygotes.

Submission:

Labcorp Genetics (formerly Invitae), Labcorp
Classification: Uncertain significance. Last evaluated: 2023-06-05. Review status: criteria provided, single submitter. Criteria: Invitae Variant Classification Sherloc (09022015). Collection method: clinical testing. Allele origin: germline.
Comment: In summary, the available evidence is currently insufficient to determine the role of this variant in disease. Therefore, it has been classified as a Variant of Uncertain Significance. Advanced modeling of protein sequence and biophysical properties (such as structural, functional, and spatial information, amino acid conservation, physicochemical variation, residue mobility, and thermodynamic stability) has been performed at Invitae for this missense variant, however the output from this modeling did not meet the statistical confidence thresholds required to predict the impact of this variant on ARHGEF10 protein function. This variant has not been reported in the literature in individuals affected with ARHGEF10-related conditions. This variant is present in population databases (rs777169340, gnomAD 0.0009%). This sequence change replaces glycine, which is neutral and non-polar, with valine, which is neutral and non-polar, at codon 908 of the ARHGEF10 protein (p.Gly908Val).

NM_014629.4(ARHGEF10):c.2723G>T (p.Gly908Val)

Gene: ARHGEF10 (Rho guanine nucleotide exchange factor 10; plus strand). Cytogenetic location: 8p23.3.
Variant type: single nucleotide variant.
Coding change: c.2723G>T on transcript NM_014629.4 (MANE Select); coding-DNA position 2723, G replaced by T.
Protein change: p.Gly908Val; replaces glycine 908 with valine.
Molecular consequence: missense variant.
Genome position (GRCh38, 1-based): chr8:1,928,452, G>T. VCF-style: chr8-1928452-G-T. GRCh37 (hg19) VCF-style: chr8-1876618-G-T.
Other names: c.2609G>T, p.Gly870Val (NM_001308152.2); c.2723G>T, p.Gly908Val (NM_001308153.3); short protein forms G870V, G908V, G932V.
Identifiers: ClinVar variation 2765845 (VCV002765845.3), dbSNP rs777169340, ClinGen allele CA4601052.